The following is an entry in ClinVar:

NM_006796.3(AFG3L2):c.78C>A (p.Gly26=)

Gene: AFG3L2 (AFG3 like matrix AAA peptidase subunit 2; minus strand). Cytogenetic location: 18p11.21.
Variant type: single nucleotide variant.
Coding change: c.78C>A on transcript NM_006796.3 (MANE Select); coding-DNA position 78, C replaced by A.
Protein change: p.Gly26=; no amino-acid change (glycine 26 retained).
Molecular consequence: synonymous variant.
Genome position (GRCh38, 1-based): chr18:12,377,005, G>T on the plus strand (C>A on the coding strand, the complement: AFG3L2 is on the minus strand). VCF-style: chr18-12377005-G-T. GRCh37 (hg19) VCF-style: chr18-12377004-G-T.
Identifiers: ClinVar variation 716467 (VCV000716467.27), dbSNP rs902417641, ClinGen allele CA296726407.

ClinVar aggregate classification (germline): Likely benign. Review status: criteria provided, multiple submitters, no conflicts (2 of 4 stars). 2 submissions from 2 submitters: Likely benign (2). Last evaluated 2022-11-01.

Allele frequency attached by ClinVar (database versions not stated): gnomAD 0.00001; TOPMed 0.00001.
gnomAD v4.1: 6 of 1,460,886 alleles (0.00041%); highest among the groups gnomAD compares: African/African-American, 0.0015%; no homozygotes.

Submissions (2):

CeGaT Center for Human Genetics Tuebingen
Classification: Likely benign. Last evaluated: 2022-11-01. Review status: criteria provided, single submitter. Criteria: CeGaT Center For Human Genetics Tuebingen Variant Classification Criteria Version 2. Collection method: clinical testing. Allele origin: germline. Affected: yes. Observed: 1 variant allele.
Comment: AFG3L2: BP4, BP7

Labcorp Genetics (formerly Invitae), Labcorp
Classification: Likely benign. Last evaluated: 2017-09-02. Review status: criteria provided, single submitter. Criteria: Invitae Variant Classification Sherloc (09022015). Collection method: clinical testing. Allele origin: germline.